The following is an entry in ClinVar:

ClinVar aggregate classification (germline): Likely pathogenic (0 of 4 stars; one submission).

Conditions:
Neuronal ceroid lipofuscinosis 3 (CLN3). Identifiers: Orphanet 228346, MedGen C0751383, MONDO:0008767, OMIM 204200.

Allele frequency attached by ClinVar (database versions not stated): ExAC 0.00001.
gnomAD v4.1: 1 of 1,613,430 alleles (0.000062%); highest among the groups gnomAD compares: Non-Finnish European, 0.000085%; no homozygotes.

Submission:

Juha Muilu Group; Institute for Molecular Medicine Finland (FIMM)
Classification: Likely pathogenic for Juvenile neuronal ceroid lipofuscinosis. Review status: no assertion criteria provided. Collection method: not provided. Allele origin: unknown.
Comment: FinDis database variant: This variant was not found or characterized by our laboratory, data were collected from public sources: see reference
ClinVar note: Converted during submission from probable-pathogenic to Likely pathogenic.

NM_001042432.2(CLN3):c.979C>T (p.Gln327Ter)

Gene: CLN3 (CLN3 lysosomal/endosomal transmembrane protein, battenin; minus strand). Cytogenetic location: 16p12.1.
Variant type: single nucleotide variant.
Coding change: c.979C>T on transcript NM_001042432.2 (MANE Select); coding-DNA position 979, C replaced by T.
Protein change: p.Gln327Ter; replaces glutamine 327 with a stop codon.
Molecular consequence: nonsense.
Genome position (GRCh38, 1-based): chr16:28,482,182, G>A on the plus strand (C>T on the coding strand, the complement: CLN3 is on the minus strand). VCF-style: chr16-28482182-G-A. GRCh37 (hg19) VCF-style: chr16-28493503-G-A.
Other names: c.979C>T, p.Gln327Ter (NM_000086.2); c.907C>T, p.Gln303Ter (NM_001286104.2); c.679C>T, p.Gln227Ter (NM_001286105.2); c.745C>T, p.Gln249Ter (NM_001286109.2); c.817C>T, p.Gln273Ter (NM_001286110.2); short protein forms Q327*, Q227*, Q249*, Q273*, Q303*.
Identifiers: ClinVar variation 56295 (VCV000056295.2), dbSNP rs386833743, ClinGen allele CA263739.